The following is an entry in ClinVar:

NM_032043.3(BRIP1):c.3664dup (p.Glu1222fs)

Gene: BRIP1 (BRCA1 interacting DNA helicase 1; minus strand). Cytogenetic location: 17q23.2.
Variant type: Duplication.
Coding change: c.3664dup on transcript NM_032043.3 (MANE Select); coding-DNA position 3664, one base duplicated (G; older notation c.3664dupG).
Protein change: p.Glu1222fs; shifts the reading frame from glutamic acid 1222.
Molecular consequence: frameshift variant.
Genome position (GRCh38, 1-based): chr17:61,683,382, C duplicated on the plus strand (G on the coding strand, the reverse complement: BRIP1 is on the minus strand); the first of 2 consecutive C bases (chr17:61,683,382-61,683,383); duplicating either gives the same sequence. VCF-style (leftmost placement, unchanged base first): chr17-61683381-T-TC. GRCh37 (hg19) VCF-style: chr17-59760742-T-TC.
Other names: c.3664dupG (NM_032043.2); short protein forms E1222fs.
Identifiers: ClinVar variation 461162 (VCV000461162.23), dbSNP rs752586524, ClinGen allele CA8690342.

ClinVar aggregate classification (germline): Uncertain significance. Review status: criteria provided, multiple submitters, no conflicts (2 of 4 stars). 6 submissions from 6 submitters: Uncertain significance (5). 1 of the submissions does not count toward it. Last evaluated 2026-02-03.

Conditions:
Hereditary cancer-predisposing syndrome. Also called: Hereditary neoplastic syndrome; Neoplastic Syndromes, Hereditary; Tumor predisposition; Hereditary Cancer Syndrome. Identifiers: Orphanet 140162, MedGen C0027672, MeSH D009386, MONDO:0015356.
Breast neoplasm. Also called: Breast Neoplasms; Breast tumor; Neoplasm of breast; Neoplasm of the breast. Identifiers: MedGen C1458155, MeSH D001943, MONDO:0021100, HP:0100013. Disease mechanism: gain of function.
Fanconi anemia complementation group J. Also called: BRIP1-Related Fanconi Anemia. Identifiers: Orphanet 84, MedGen C1836860, MONDO:0012187, OMIM 609054.
Familial cancer of breast. Also called: BREAST CANCER, FAMILIAL; hereditary breast carcinoma; Hereditary breast cancer. Identifiers: Orphanet 227535, MedGen C0346153, MONDO:0016419, OMIM 114480. Disease mechanism: loss of function.

Submissions (6):

Labcorp Genetics (formerly Invitae), Labcorp
Classification: Uncertain significance for Familial cancer of breast; Fanconi anemia complementation group J. Last evaluated: 2026-02-03. Review status: criteria provided, single submitter. Criteria: Invitae Variant Classification Sherloc (09022015). Collection method: clinical testing. Allele origin: germline.
Comment: This sequence change creates a premature translational stop signal (p.Glu1222Glyfs*7) in the BRIP1 gene. While this is not anticipated to result in nonsense mediated decay, it is expected to disrupt the last 28 amino acid(s) of the BRIP1 protein. This variant is present in population databases (rs752586524, gnomAD 0.06%). This premature translational stop signal has been observed in individual(s) with pancreatic cancer and/or stomach cancer (PMID: 36451132, 38350919). This variant is also known as p.E1222GX. ClinVar contains an entry for this variant (Variation ID: 461162). Experimental studies and prediction algorithms are not available or were not evaluated, and the functional significance of this variant is currently unknown. RNA analysis performed to evaluate the impact of this premature translational stop signal on mRNA splicing indicates it does not significantly alter splicing (internal data). In summary, the available evidence is currently insufficient to determine the role of this variant in disease. Therefore, it has been classified as a Variant of Uncertain Significance.

Ambry Genetics
Classification: Uncertain significance for Hereditary cancer-predisposing syndrome. Last evaluated: 2025-11-03. Review status: criteria provided, single submitter. Criteria: Ambry Variant Classification Scheme 2023. Collection method: clinical testing. Allele origin: germline.
Comment: The c.3664dupG variant, located in coding exon 19 of the BRIP1 gene, results from a duplication of G at nucleotide position 3664, causing a translational frameshift with a predicted alternate stop codon (p.E1222Gfs*7). Frameshifts are typically deleterious in nature, however, this frameshift occurs at the 3' terminus of BRIP1, is not expected to trigger nonsense-mediated mRNA decay, and removes only the last 21 amino acids of the protein. The exact functional impact of these removed amino acids is unknown at this time; however, structural and functional studies suggest that at least two residues contained in this deleted region (Ser1237 and Lys1249) have functional importance (Olsen JV et al. Sci Signal. 2010 Jan; 3(104):ra3; Xie J et al. PLoS Genet. Jul 2012; 8(7): e1002786). Based on the available evidence, the clinical significance of this variant remains unclear.

Baylor Genetics
Classification: Uncertain significance for Familial cancer of breast. Last evaluated: 2024-03-10. Review status: criteria provided, single submitter. Criteria: ACMG Guidelines, 2015. Collection method: clinical testing. Allele origin: unknown.

Color Diagnostics, LLC DBA Color Health
Classification: Uncertain significance for Hereditary cancer-predisposing syndrome. Last evaluated: 2023-09-25. Review status: criteria provided, single submitter. Criteria: ACMG Guidelines, 2015. Collection method: clinical testing. Allele origin: germline.
Comment: This variant inserts 1 nucleotide in exon 20 of the BRIP1 gene, creating a frameshift and premature translation stop signal in the last coding exon. This mutant transcript is predicted to escape nonsense-mediated decay and be expressed as a truncated protein. To our knowledge, functional studies have not been reported for this variant. This variant has not been reported in individuals affected with hereditary cancer in the literature. This variant has been identified in 11/282168 chromosomes in the general population by the Genome Aggregation Database (gnomAD). The available evidence is insufficient to determine the role of this variant in disease conclusively. Therefore, this variant is classified as a Variant of Uncertain Significance.

Quest Diagnostics Nichols Institute San Juan Capistrano
Classification: Uncertain significance. Last evaluated: 2019-02-12. Review status: criteria provided, single submitter. Criteria: Quest Diagnostics criteria. Collection method: clinical testing. Allele origin: germline.

3DMed Clinical Laboratory Inc
Classification: Uncertain significance for Neoplasm of the breast. Last evaluated: 2018-01-10. Review status: no assertion criteria provided. Criteria: ACMG Guidelines, 2015. Collection method: clinical testing. Allele origin: germline. Affected: yes. Not counted in ClinVar's aggregate classification.

Literature cited by the submitters: PubMed 36451132 (cited by Labcorp Genetics (formerly Invitae), Labcorp); PubMed 38350919 (cited by Labcorp Genetics (formerly Invitae), Labcorp).